The following is an entry in ClinVar:

NM_007194.4(CHEK2):c.164C>G (p.Ser55Cys)

Gene: CHEK2 (checkpoint kinase 2; minus strand). Cytogenetic location: 22q12.1.
Variant type: single nucleotide variant.
Coding change: c.164C>G on transcript NM_007194.4 (MANE Select); coding-DNA position 164, C replaced by G.
Protein change: p.Ser55Cys; replaces serine 55 with cysteine.
Molecular consequence: missense variant.
Genome position (GRCh38, 1-based): chr22:28,734,558, G>C on the plus strand (C>G on the coding strand, the complement: CHEK2 is on the minus strand). VCF-style: chr22-28734558-G-C. GRCh37 (hg19) VCF-style: chr22-29130546-G-C.
Other names: c.164C>G, p.Ser55Cys (NM_001005735.3, NM_001349956.3, NM_145862.3); c.-614C>G (NM_001257387.3); short protein forms S55C.
Identifiers: ClinVar variation 1385457 (VCV001385457.7), dbSNP rs765799649, ClinGen allele CA411090941.

ClinVar aggregate classification (germline): Uncertain significance (1 of 4 stars; one submission).

Conditions:
Familial cancer of breast. Also called: Hereditary breast cancer; BREAST CANCER, FAMILIAL; hereditary breast carcinoma. Identifiers: Orphanet 227535, MedGen C0346153, MONDO:0016419, OMIM 114480. Disease mechanism: loss of function.

Submission:

Labcorp Genetics (formerly Invitae), Labcorp
Classification: Uncertain significance for Familial cancer of breast. Last evaluated: 2021-10-08. Review status: criteria provided, single submitter. Criteria: Invitae Variant Classification Sherloc (09022015). Collection method: clinical testing. Allele origin: germline.
Comment: This variant has not been reported in the literature in individuals affected with CHEK2-related conditions. This variant is not present in population databases (ExAC no frequency). This sequence change replaces serine with cysteine at codon 55 of the CHEK2 protein (p.Ser55Cys). The serine residue is highly conserved and there is a moderate physicochemical difference between serine and cysteine. Algorithms developed to predict the effect of missense changes on protein structure and function are either unavailable or do not agree on the potential impact of this missense change (SIFT: "Deleterious"; PolyPhen-2: "Probably Damaging"; Align-GVGD: "Class C0"). In summary, the available evidence is currently insufficient to determine the role of this variant in disease. Therefore, it has been classified as a Variant of Uncertain Significance.